The following is an entry in ClinVar:

NM_002485.5(NBN):c.37+1G>A

Gene: NBN (nibrin; minus strand). Cytogenetic location: 8q21.3.
Variant type: single nucleotide variant.
Coding change: c.37+1G>A on transcript NM_002485.5 (MANE Select); the canonical splice donor site of the intron after coding-DNA position 37, G replaced by A.
Molecular consequence: splice donor variant.
Genome position (GRCh38, 1-based): chr8:89,984,524, C>T on the plus strand (G>A on the coding strand, the complement: NBN is on the minus strand). VCF-style: chr8-89984524-C-T. GRCh37 (hg19) VCF-style: chr8-90996752-C-T.
Other names: c.-260+1G>A (NM_001024688.3).
Identifiers: ClinVar variation 186314 (VCV000186314.40), dbSNP rs574673404, ClinGen allele CA194448.

ClinVar aggregate classification (germline): Pathogenic/Likely pathogenic. Review status: criteria provided, multiple submitters, no conflicts (2 of 4 stars). 15 submissions from 15 submitters: Pathogenic (1); Likely pathogenic (12). 2 of the submissions do not count toward it. Last evaluated 2026-06-30.

Conditions:
Breast and/or ovarian cancer. Identifiers: MedGen CN221562.
NBN-related disorder. Also called: NBN-related condition.
Aplastic anemia. Identifiers: Orphanet 182040, Orphanet 88, MedGen C0002874, MONDO:0015909, OMIM 609135, HP:0001915.
Breast-ovarian cancer, familial, susceptibility to, 1 (BROVCA1). Also called: OVARIAN CANCER, SUSCEPTIBILITY TO; BRCA1 Hereditary Breast and Ovarian Cancer. Identifiers: Orphanet 145, MedGen C2676676, MONDO:0011450, OMIM 604370. Disease mechanism: loss of function.
Acute lymphoid leukemia (ALL). Also called: Lymphoblastic leukemia; Acute lymphoblastic leukemia; Acute lymphocytic leukemia; Leukemia, acute lymphoblastic, somatic. Identifiers: Orphanet 513, MedGen C0023449, MONDO:0004967, OMIM 613065, HP:0006721.
Microcephaly, normal intelligence and immunodeficiency (NBS). Also called: SEEMANOVA SYNDROME II; Ataxia telangiectasia variant V1; IMMUNODEFICIENCY, MICROCEPHALY, AND CHROMOSOMAL INSTABILITY; BERLIN BREAKAGE SYNDROME; Nijmegen breakage syndrome; Microcephaly with normal intelligence immunodeficiency and lymphoreticular malignancies. Identifiers: Orphanet 647, MedGen C0398791, MONDO:0009623, OMIM 251260.
Hereditary cancer-predisposing syndrome. Also called: Hereditary Cancer Syndrome; Hereditary neoplastic syndrome; Tumor predisposition; Neoplastic Syndromes, Hereditary. Identifiers: Orphanet 140162, MedGen C0027672, MeSH D009386, MONDO:0015356.

Allele frequency attached by ClinVar (database versions not stated): gnomAD exomes below 0.00001 and 0.00001; TOPMed 0.00001; ExAC 0.00002; gnomAD 0.00002 and 0.00003; 1000 Genomes Project 0.00020; 1000 Genomes Project 30x 0.00031.
gnomAD v4.1: 5 of 1,612,984 alleles (0.00031%); highest among the groups gnomAD compares: African/African-American, 0.0013%; no homozygotes.

Submissions (15):

PreventionGenetics, part of Exact Sciences
Classification: Likely pathogenic for NBN-related condition. Last evaluated: 2026-06-30. Review status: criteria provided, single submitter. Criteria: ACMG Guidelines, 2015. Collection method: clinical testing. Allele origin: germline.
Comment: The NBN c.37+1G>A variant is predicted to disrupt the GT donor site and interfere with normal splicing. To our knowledge, this variant has not been reported in the literature in individuals with NBN-related conditions. This variant is reported in 0.0041% of alleles in individuals of African descent in gnomAD and it is consistently interpreted as pathogenic/likely pathogenic in ClinVar (Variation ID: 186314). Variants that disrupt the consensus splice donor site in NBN are expected to be pathogenic. Taken together, the c.37+1G>A variant is interpreted as likely pathogenic.

Natera, Inc.
Classification: Likely pathogenic for Nijmegen breakage syndrome. Last evaluated: 2025-12-09. Review status: criteria provided, single submitter. Criteria: Natera Variant Classification Schema (03/2026). Collection method: clinical testing. Allele origin: germline.
Comment: The c.37+1G>A variant in NBN is a canonical splice donor site variant predicted to affect pre-mRNA splicing, which may result in an abnormal transcript and altered protein product. This variant is expected to result in nonsense mediated decay, truncation, or a dysfunctional protein product. This variant is rare in the general population with a frequency below the threshold expected for the associated phenotype(s). Given the available evidence, this variant is classified as Likely Pathogenic.

Labcorp Genetics (formerly Invitae), Labcorp
Classification: Likely pathogenic for Microcephaly, normal intelligence and immunodeficiency. Last evaluated: 2025-05-27. Review status: criteria provided, single submitter. Criteria: Invitae Variant Classification Sherloc (09022015). Collection method: clinical testing. Allele origin: germline.
Comment: This sequence change affects a donor splice site in intron 1 of the NBN gene. It is expected to disrupt RNA splicing. Variants that disrupt the donor or acceptor splice site typically lead to a loss of protein function (PMID: 16199547), and loss-of-function variants in NBN are known to be pathogenic (PMID: 9590180, 16415040). This variant is present in population databases (rs574673404, gnomAD 0.004%). Disruption of this splice site has been observed in individual(s) with endometrial, breast, and/or ovarian cancer (PMID: 30651582, 34284872, 34994648). ClinVar contains an entry for this variant (Variation ID: 186314). RNA analysis provides insufficient evidence to determine the effect of this variant on NBN splicing (internal data). In summary, the currently available evidence indicates that the variant is pathogenic, but additional data are needed to prove that conclusively. Therefore, this variant has been classified as Likely Pathogenic.

Ambry Genetics
Classification: Likely pathogenic for Hereditary cancer-predisposing syndrome. Last evaluated: 2025-01-20. Review status: criteria provided, single submitter. Criteria: Ambry Variant Classification Scheme 2023. Collection method: clinical testing. Allele origin: germline.
Comment: The c.37+1G>A intronic variant results from a G to A substitution one nucleotide after coding exon 1 of the NBN gene. This alteration has been reported in 1/1197 individuals from Greece, Romania, and Turkey undergoing evaluation for inherited cancer predisposition (Tsaousis GN et al. BMC Cancer, 2019 Jun;19:535) and in 1/131 high grade serous ovarian cancer patients from Serbia (Krivokuca A et al. J. Hum. Genet., 2019 Apr;64:281-290). This nucleotide position is highly conserved in available vertebrate species. In silico splice site analysis predicts that this alteration will weaken the native splice donor site and may result in the creation or strengthening of a novel splice donor site. Alterations that disrupt the canonical splice site are expected to cause aberrant splicing, resulting in an abnormal protein or a transcript that is subject to nonsense-mediated mRNA decay; however, direct evidence is insufficient at this time (Ambry internal data). As such, this alteration is classified as likely pathogenic.

Blueprint Genetics
Classification: Likely pathogenic for NBN-related disorders. Last evaluated: 2024-07-04. Review status: criteria provided, single submitter. Criteria: ACMG Guidelines, 2015. Collection method: clinical testing. Allele origin: germline. Affected: yes. Observed: 2 variant alleles.

Fulgent Genetics
Classification: Likely pathogenic for Microcephaly, normal intelligence and immunodeficiency; Aplastic anemia; Acute lymphoid leukemia. Last evaluated: 2024-03-28. Review status: criteria provided, single submitter. Criteria: ACMG Guidelines, 2015. Collection method: clinical testing. Allele origin: germline.

Baylor Genetics
Classification: Likely pathogenic for Aplastic anemia. Last evaluated: 2024-03-01. Review status: criteria provided, single submitter. Criteria: ACMG Guidelines, 2015. Collection method: clinical testing. Allele origin: unknown.

Women's Health and Genetics/Laboratory Corporation of America, LabCorp
Classification: Likely pathogenic for Microcephaly, normal intelligence and immunodeficiency. Last evaluated: 2023-05-12. Review status: criteria provided, single submitter. Criteria: LabCorp Variant Classification Summary - May 2015. Collection method: clinical testing. Allele origin: germline.
Comment: Variant summary: NBN c.37+1G>A is located in a canonical splice-site and is predicted to affect mRNA splicing resulting in a significantly altered protein due to either exon skipping, shortening, or inclusion of intronic material. Several computational tools predict a significant impact on normal splicing: Four predict the variant abolishes the canonical 5' splicing donor site. However, these predictions have yet to be confirmed by functional studies. The variant allele was found at a frequency of 8.2e-06 in 245328 control chromosomes (gnomAD). c.37+1G>A has been reported in the literature in individuals affected with various types of cancer (example: Tsaousis_2019, Levine_2021, Yang_2022 and Krivokuca_2022). To our knowledge, no experimental evidence demonstrating an impact on protein function has been reported. The following publications have been ascertained in the context of this evaluation (PMID: 34284872, 34994648, 31159747, 36451132). Eleven clinical diagnostic laboratories have submitted clinical-significance assessments for this variant to ClinVar after 2014 and all classified the variant as pathogenic/likely pathogenic. Based on the evidence outlined above, the variant was classified as likely pathogenic.

GeneDx
Classification: Likely pathogenic. Last evaluated: 2022-07-20. Review status: criteria provided, single submitter. Criteria: GeneDx Variant Classification Process June 2021. Collection method: clinical testing. Allele origin: germline. Affected: yes.
Comment: Canonical splice site variant in a gene for which loss-of-function is a known mechanism of disease; Not observed at significant frequency in large population cohorts (gnomAD); Observed in individuals with ovarian or kidney cancer (Huang 2018, Krivokuca 2019); This variant is associated with the following publications: (PMID: 29625052, 9590180, 16415040, 31159747, 31589614, 32295079, 30651582, 32906206)

Sema4
Classification: Likely pathogenic for Hereditary cancer-predisposing syndrome. Last evaluated: 2021-04-11. Review status: criteria provided, single submitter. Criteria: Sema4 Curation Guidelines. Collection method: curation. Allele origin: germline.
Comment: The NBN c.37+1G>A variant has been reported in heterozygosity in at least 1 individual with ovarian cancer (PMID: 32906206). This patient also carried a BRCA1 nonsense variant. This variant has also been reported in an individual referred for hereditary cancer genetic testing (PMID: 31159747), and in a patient with kidney cancer (PMID: 29625052). This variant affects a conserved nucleotide within a consensus splice site of an intron, and may cause exon skipping, intron retention or use of a cryptic splice site. This variant was observed in 1/24168 chromosomes in the African/African American population according to the Genome Aggregation Database (PMID: 32461654). This variant has been reported in ClinVar (Variation ID: 186314). Based on the current evidence available, this variant is interpreted as likely pathogenic.

Department of Molecular Diagnostics, Institute of Oncology Ljubljana
Classification: Likely pathogenic for Breast-ovarian cancer, familial, susceptibility to, 1. Last evaluated: 2020-04-02. Review status: criteria provided, single submitter. Criteria: ACMG Guidelines, 2015. Collection method: clinical testing. Allele origin: germline. Affected: yes.

GeneKor MSA
Classification: Likely pathogenic. Last evaluated: 2020-01-01. Review status: criteria provided, single submitter. Criteria: ACMG Guidelines, 2015. Collection method: clinical testing. Allele origin: germline.
Comment: This variation occurs 1 base after exon 1 of the NBN gene. This position is highly conserved in the human and other genomes and is crucial in mRNA processing. This mutation is expected to result in incorrect splicing, alteration in the reading frame and a truncated protein. The mutation database ClinVar contains entries for this variant (Variation ID: 186314)

Revvity Omics, Revvity
Classification: Pathogenic. Last evaluated: 2019-04-18. Review status: criteria provided, single submitter. Criteria: ACMG Guidelines, 2015. Collection method: clinical testing. Allele origin: germline.

CZECANCA consortium
Classification: Pathogenic for Breast and/or ovarian cancer. Last evaluated: 2019-06-11. Review status: no assertion criteria provided. Collection method: clinical testing. Allele origin: germline. Affected: yes. Observed: 1 variant allele. Not counted in ClinVar's aggregate classification.

Counsyl
Classification: Likely pathogenic for Microcephaly, normal intelligence and immunodeficiency. Last evaluated: 2018-03-01. Review status: no assertion criteria provided. Collection method: clinical testing. Allele origin: unknown. Not counted in ClinVar's aggregate classification.

Literature cited by the submitters: PubMed 16199547 (cited by Labcorp Genetics (formerly Invitae), Labcorp); PubMed 9590180 (cited by Labcorp Genetics (formerly Invitae), Labcorp); PubMed 16415040 (cited by Labcorp Genetics (formerly Invitae), Labcorp); PubMed 30651582 (cited by Labcorp Genetics (formerly Invitae), Labcorp and Ambry Genetics); PubMed 34284872 (cited by Labcorp Genetics (formerly Invitae), Labcorp and Women's Health and Genetics/Laboratory Corporation of America, LabCorp); PubMed 34994648 (cited by Labcorp Genetics (formerly Invitae), Labcorp and Women's Health and Genetics/Laboratory Corporation of America, LabCorp); PubMed 31159747 (cited by 3 submitters); PubMed 36451132 (cited by Women's Health and Genetics/Laboratory Corporation of America, LabCorp); PubMed 32906206 (cited by Sema4); PubMed 29625052 (cited by Sema4); PubMed 32295079 (cited by CZECANCA consortium).